The following is an entry in ClinVar:

NM_003737.4(DCHS1):c.5552A>G (p.His1851Arg)

Gene: DCHS1 (dachsous cadherin-related 1; minus strand). Cytogenetic location: 11p15.4.
Variant type: single nucleotide variant.
Coding change: c.5552A>G on transcript NM_003737.4 (MANE Select); coding-DNA position 5552, A replaced by G.
Protein change: p.His1851Arg; replaces histidine 1851 with arginine.
Molecular consequence: missense variant.
Genome position (GRCh38, 1-based): chr11:6,627,487, T>C on the plus strand (A>G on the coding strand, the complement: DCHS1 is on the minus strand). VCF-style: chr11-6627487-T-C. GRCh37 (hg19) VCF-style: chr11-6648718-T-C.
Other names: short protein forms H1851R.
Identifiers: ClinVar variation 2585378 (VCV002585378.1), dbSNP rs759281674, ClinGen allele CA5860066.

ClinVar aggregate classification (germline): Uncertain significance (1 of 4 stars; one submission).

Conditions:
Van Maldergem syndrome 1 (VMLDS1). Also called: Van Maldergem syndrome 1 (VMLDS1). Identifiers: Orphanet 314679, MedGen C4551950, MONDO:0011070, OMIM 601390.

Allele frequency attached by ClinVar (database versions not stated): gnomAD exomes below 0.00001; ExAC 0.00001.
gnomAD v4.1: 1 of 1,611,604 alleles (0.000062%); highest among the groups gnomAD compares: Non-Finnish European, 0.000085%; no homozygotes.

Submission:

Neuberg Centre For Genomic Medicine, NCGM
Classification: Uncertain significance for Van Maldergem syndrome 1. Review status: criteria provided, single submitter. Criteria: ACMG Guidelines, 2015. Collection method: clinical testing. Allele origin: germline. Inheritance: Autosomal recessive inheritance. Affected: yes.
Comment: The missense c.5552A>G (p.His1851Arg) variant in DCHS1 gene has not been reported previously as a pathogenic variant nor as a benign variant, to our knowledge. This variant is reported with the allele frequency 0.0004% in the gnomAD and novel in 1000 genome. The amino acid His at position 1851 is changed to a Arg changing protein sequence and it might alter its composition and physico-chemical properties. The variant is predicted to be damaging by both SIFT and PolyPhen2. The residue is conserved across species. The amino acid change p.His1851Arg in DCHS1 is predicted as conserved by GERP++ and PhyloP across 100 vertebrates. For these reasons, this variant has been classified as Uncertain Significance.